The following is an entry in ClinVar:

NM_001009944.3(PKD1):c.9726_9727insA (p.Leu3243fs)

Gene: PKD1 (polycystin 1, transient receptor potential channel interacting; minus strand). Cytogenetic location: 16p13.3.
Variant type: Insertion.
Coding change: c.9726_9727insA on transcript NM_001009944.3 (MANE Select); coding-DNA positions 9726 to 9727, A inserted.
Protein change: p.Leu3243fs; shifts the reading frame from leucine 3243.
Molecular consequence: frameshift variant.
Genome position: GRCh38 VCF-style: chr16-2100057-A-AT. GRCh37 (hg19) VCF-style: chr16-2150058-A-AT.
Other names: c.9726_9727insA, p.Leu3243fs (NM_000296.4); short protein forms L3243fs.
Identifiers: ClinVar variation 1334536 (VCV001334536.4), dbSNP rs2151739862, ClinGen allele CA2573054172.

ClinVar aggregate classification (germline): Pathogenic (1 of 4 stars; one submission).

Conditions:
Polycystic kidney disease, adult type (PKD1). Also called: Polycystic Kidney, Autosomal Dominant; POLYCYSTIC KIDNEY DISEASE, ADULT, TYPE I; Polycystic Kidney Disease 1, Autosomal Dominant; Polycystic kidney disease 1; Polycystic kidney disease 1, severe; POLYCYSTIC KIDNEY DISEASE 1 WITH OR WITHOUT POLYCYSTIC LIVER DISEASE. Identifiers: MedGen C3149841, MONDO:0008263, OMIM 173900.

Submission:

Greenwood Genetic Center Diagnostic Laboratories, Greenwood Genetic Center
Classification: Pathogenic for Polycystic kidney disease, adult type. Last evaluated: 2021-04-07. Review status: criteria provided, single submitter. Criteria: ACMG Guidelines, 2015. Collection method: clinical testing. Allele origin: germline. Affected: yes.
Comment: PVS1, PM2, PM6